The following is an entry in ClinVar:

ClinVar aggregate classification (germline): Uncertain significance (1 of 4 stars; one submission).

Allele frequency attached by ClinVar (database versions not stated): gnomAD exomes below 0.00001; ExAC 0.00001.
gnomAD v4.1: 1 of 1,614,094 alleles (0.000062%); highest among the groups gnomAD compares: Non-Finnish European, 0.000085%; no homozygotes.

Submission:

Labcorp Genetics (formerly Invitae), Labcorp
Classification: Uncertain significance. Last evaluated: 2022-01-17. Review status: criteria provided, single submitter. Criteria: Invitae Variant Classification Sherloc (09022015). Collection method: clinical testing. Allele origin: germline.
Comment: This sequence change replaces lysine, which is basic and polar, with threonine, which is neutral and polar, at codon 1781 of the DMXL2 protein (p.Lys1781Thr). This variant is present in population databases (rs753992301, gnomAD 0.0009%). This variant has not been reported in the literature in individuals affected with DMXL2-related conditions. Algorithms developed to predict the effect of missense changes on protein structure and function are either unavailable or do not agree on the potential impact of this missense change (SIFT: "Tolerated"; PolyPhen-2: "Probably Damaging"; Align-GVGD: "Class C0"). In summary, the available evidence is currently insufficient to determine the role of this variant in disease. Therefore, it has been classified as a Variant of Uncertain Significance.

NM_001378457.1(DMXL2):c.5342A>C (p.Lys1781Thr)

Gene: DMXL2 (Dmx like 2; minus strand). Cytogenetic location: 15q21.2.
Variant type: single nucleotide variant.
Coding change: c.5342A>C on transcript NM_001378457.1 (MANE Select); coding-DNA position 5342, A replaced by C.
Protein change: p.Lys1781Thr; replaces lysine 1781 with threonine.
Molecular consequence: missense variant. On other transcripts: non-coding transcript variant (2).
Genome position (GRCh38, 1-based): chr15:51,486,213, T>G on the plus strand (A>C on the coding strand, the complement: DMXL2 is on the minus strand). VCF-style: chr15-51486213-T-G. GRCh37 (hg19) VCF-style: chr15-51778410-T-G.
Other names: c.5342A>C, p.Lys1781Thr (NM_001174116.3, NM_001378458.1, NM_001378459.1 and 4 more transcripts); c.3434A>C, p.Lys1145Thr (NM_001174117.3); c.3323A>C, p.Lys1108Thr (NM_001378460.1); c.5102A>C, p.Lys1701Thr (NM_001378464.1); short protein forms K1108T, K1781T, K1145T, K1701T.
Identifiers: ClinVar variation 1898795 (VCV001898795.5), dbSNP rs753992301, ClinGen allele CA7561817.